The following is an entry in ClinVar:

NM_018136.5(ASPM):c.2419+2T>C

Gene: ASPM (assembly factor for spindle microtubules; minus strand). Cytogenetic location: 1q31.3.
Variant type: single nucleotide variant.
Coding change: c.2419+2T>C on transcript NM_018136.5 (MANE Select); the canonical splice donor site of the intron after coding-DNA position 2419, T replaced by C.
Molecular consequence: splice donor variant.
Genome position (GRCh38, 1-based): chr1:197,133,348, A>G on the plus strand (T>C on the coding strand, the complement: ASPM is on the minus strand). VCF-style: chr1-197133348-A-G. GRCh37 (hg19) VCF-style: chr1-197102478-A-G.
Other names: c.2419+2T>C (NM_001206846.2).
Identifiers: ClinVar variation 157795 (VCV000157795.12), dbSNP rs587783225, ClinGen allele CA271014.

ClinVar aggregate classification (germline): Pathogenic/Likely pathogenic. Review status: criteria provided, multiple submitters, no conflicts (2 of 4 stars). 4 submissions from 4 submitters: Pathogenic (3); Likely pathogenic (1). Last evaluated 2025-12-15.

Conditions:
Autosomal recessive primary microcephaly. Identifiers: Orphanet 2512, MedGen C3711387, MONDO:0016660.
Microcephaly 5, primary, autosomal recessive (MCPH5). Also called: ASPM Primary Microcephaly. Identifiers: Orphanet 2512, MedGen C1837501, MONDO:0012106, OMIM 608716.

Allele frequency attached by ClinVar (database versions not stated): gnomAD 0.00001 and 0.00002; gnomAD exomes 0.00001; TOPMed 0.00002.
gnomAD v4.1: 5 of 1,612,156 alleles (0.00031%); highest among the groups gnomAD compares: African/African-American, 0.0067%; no homozygotes.

Submissions (4):

GeneDx
Classification: Pathogenic. Last evaluated: 2025-12-15. Review status: criteria provided, single submitter. Criteria: GeneDx Variant Classification Process June 2021. Collection method: clinical testing. Allele origin: germline. Affected: yes.
Comment: Canonical splice site variant predicted to result in an in-frame loss of the adjacent exon in a gene for which loss of function is a known mechanism of disease; This variant is associated with the following publications: (PMID: 20301772, 23611254)

Genome-Nilou Lab
Classification: Likely pathogenic for Microcephaly 5, primary, autosomal recessive. Last evaluated: 2023-04-11. Review status: criteria provided, single submitter. Criteria: ACMG Guidelines, 2015. Collection method: clinical testing. Allele origin: germline. Affected: no.

Women's Health and Genetics/Laboratory Corporation of America, LabCorp
Classification: Pathogenic for Primary autosomal recessive microcephaly. Last evaluated: 2019-09-04. Review status: criteria provided, single submitter. Criteria: LabCorp Variant Classification Summary - May 2015. Collection method: clinical testing. Allele origin: germline.
Comment: Variant summary: ASPM c.2419+2T>C is located in a canonical splice-site and is predicted to affect mRNA splicing resulting in a significantly altered protein due to either exon skipping, shortening, or inclusion of intronic material. Several computational tools predict a significant impact on normal splicing: Three predict the variant abolishes a 5' splicing donor site. One predict the variant weakens a 5' donor site. However, these predictions have yet to be confirmed by functional studies. The variant allele was found at a frequency of 1.2e-05 in 249924 control chromosomes (gnomAD). c.2419+2T>C has been reported in the literature in individuals affected with primary autosomal recessive microcephaly (Tan_2013). These data indicate that the variant may be associated with disease. To our knowledge, no experimental evidence demonstrating an impact on protein function has been reported. One clinical diagnostic laboratory has submitted clinical-significance assessments for this variant to ClinVar after 2014 without evidence for independent evaluation and classified the variant as pathogenic. Based on the evidence outlined above, the variant was classified as pathogenic.

Genetic Services Laboratory, University of Chicago
Classification: Pathogenic for Microcephaly 5, primary, autosomal recessive. Last evaluated: 2013-02-08. Review status: criteria provided, single submitter. Criteria: ACMG Guidelines, 2007. Collection method: clinical testing. Allele origin: germline. Inheritance: Autosomal recessive inheritance. Affected: yes.

Literature cited by the submitters: PubMed 23611254 (cited by Women's Health and Genetics/Laboratory Corporation of America, LabCorp).